The following is an entry in ClinVar:

NM_015164.4(PLEKHM2):c.2920C>A (p.Gln974Lys)

Gene: PLEKHM2 (pleckstrin homology and RUN domain containing M2; plus strand). Cytogenetic location: 1p36.21.
Variant type: single nucleotide variant.
Coding change: c.2920C>A on transcript NM_015164.4 (MANE Select); coding-DNA position 2920, C replaced by A.
Protein change: p.Gln974Lys; replaces glutamine 974 with lysine.
Molecular consequence: missense variant.
Genome position (GRCh38, 1-based): chr1:15,732,726, C>A. VCF-style: chr1-15732726-C-A. GRCh37 (hg19) VCF-style: chr1-16059221-C-A.
Other names: c.2920C>A (NM_015164.2); short protein forms Q974K.
Identifiers: ClinVar variation 1399444 (VCV001399444.9), dbSNP rs756525436, ClinGen allele CA617386.

ClinVar aggregate classification (germline): Uncertain significance. Review status: criteria provided, multiple submitters, no conflicts (2 of 4 stars). 2 submissions from 2 submitters: Uncertain significance (2). Last evaluated 2025-08-17.

Allele frequency attached by ClinVar (database versions not stated): gnomAD exomes 0.00001; TOPMed 0.00001; ExAC 0.00002.
gnomAD v4.1: 12 of 1,594,870 alleles (0.00075%); highest among the groups gnomAD compares: Admixed American, 0.0034%; no homozygotes.

Submissions (2):

Labcorp Genetics (formerly Invitae), Labcorp
Classification: Uncertain significance. Last evaluated: 2025-08-17. Review status: criteria provided, single submitter. Criteria: Invitae Variant Classification Sherloc (09022015). Collection method: clinical testing. Allele origin: germline.
Comment: This sequence change replaces glutamine, which is neutral and polar, with lysine, which is basic and polar, at codon 974 of the PLEKHM2 protein (p.Gln974Lys). This variant is present in population databases (rs756525436, gnomAD 0.006%). This variant has not been reported in the literature in individuals affected with PLEKHM2-related conditions. ClinVar contains an entry for this variant (Variation ID: 1399444). An algorithm developed to predict the effect of missense changes on protein structure and function (PolyPhen-2) suggests that this variant is likely to be disruptive. In summary, the available evidence is currently insufficient to determine the role of this variant in disease. Therefore, it has been classified as a Variant of Uncertain Significance.

Ambry Genetics
Classification: Uncertain significance. Last evaluated: 2021-08-13. Review status: criteria provided, single submitter. Criteria: Ambry Variant Classification Scheme 2023. Collection method: clinical testing. Allele origin: germline.